The following is an entry in ClinVar:

NM_015346.4(ZFYVE26):c.7270C>T (p.Gln2424Ter)

Gene: ZFYVE26 (zinc finger FYVE-type containing 26; minus strand). Cytogenetic location: 14q24.1.
Variant type: single nucleotide variant.
Coding change: c.7270C>T on transcript NM_015346.4 (MANE Select); coding-DNA position 7270, C replaced by T.
Protein change: p.Gln2424Ter; replaces glutamine 2424 with a stop codon.
Molecular consequence: nonsense.
Genome position (GRCh38, 1-based): chr14:67,752,445, G>A on the plus strand (C>T on the coding strand, the complement: ZFYVE26 is on the minus strand). VCF-style: chr14-67752445-G-A. GRCh37 (hg19) VCF-style: chr14-68219162-G-A.
Other names: short protein forms Q2424*.
Identifiers: ClinVar variation 1725395 (VCV001725395.5), dbSNP rs2503929243, ClinGen allele CA390158431.
Genomic context (GRCh38, chr14:67,752,445, plus strand): 5'-GGATGGTGTCCCCGTCACTTTTGGCTGCCATGCCTGACTCACTGACACATTTGAGCAGTT[G>A]CTGGATCTCACTGTACTTCTCTTTCTCCACCAACTGGCGGGCAGCTCTGCAGTAGGTCAT-3'

ClinVar aggregate classification (germline): Pathogenic/Likely pathogenic. Review status: criteria provided, multiple submitters, no conflicts (2 of 4 stars). 2 submissions from 2 submitters: Pathogenic (1); Likely pathogenic (1). Last evaluated 2023-06-02.

Conditions:
Spastic paraplegia. Identifiers: MedGen C0037772, HP:0001258.
Hereditary spastic paraplegia 15 (SPG15). Also called: SPASTIC PARAPLEGIA 15, AUTOSOMAL RECESSIVE; KJELLIN SYNDROME; SPASTIC PARAPLEGIA AND RETINAL DEGENERATION. Identifiers: Orphanet 100996, MedGen C1849128, MONDO:0010044, OMIM 270700.

Submissions (2):

Labcorp Genetics (formerly Invitae), Labcorp
Classification: Pathogenic for Spastic paraplegia. Last evaluated: 2023-06-02. Review status: criteria provided, single submitter. Criteria: Invitae Variant Classification Sherloc (09022015). Collection method: clinical testing. Allele origin: germline.
Comment: For these reasons, this variant has been classified as Pathogenic. ClinVar contains an entry for this variant (Variation ID: 1725395). This variant has not been reported in the literature in individuals affected with ZFYVE26-related conditions. This variant is not present in population databases (gnomAD no frequency). This sequence change creates a premature translational stop signal (p.Gln2424*) in the ZFYVE26 gene. It is expected to result in an absent or disrupted protein product. Loss-of-function variants in ZFYVE26 are known to be pathogenic (PMID: 18394578, 19805727).

Myriad Genetics, Inc.
Classification: Likely pathogenic for Hereditary spastic paraplegia 15. Last evaluated: 2022-03-17. Review status: criteria provided, single submitter. Criteria: Myriad Women's Health Autosomal Recessive and X-Linked Classification Criteria (2021). Collection method: clinical testing. Allele origin: unknown.
Comment: NM_015346.3(ZFYVE26):c.7270C>T(Q2424*) is expected to be pathogenic in the context of spastic paraplegia type 15. This variant is predicted to lead to an abnormal or absent protein product due to the creation of a premature termination codon in ZFYVE26, a gene where loss-of-function variants are known to be pathogenic. Please note: this variant was assessed in the context of healthy population screening.

Literature cited by the submitters: PubMed 18394578 (cited by Labcorp Genetics (formerly Invitae), Labcorp); PubMed 19805727 (cited by Labcorp Genetics (formerly Invitae), Labcorp).